The following is an entry in ClinVar:

NM_000157.4(GBA1):c.167_170del (p.Val56fs)

Genes: GBA1 (glucosylceramidase beta 1; minus strand), LOC106627981 (GBA recombination region; plus strand). Cytogenetic location: 1q22.
Variant type: Deletion.
Coding change: c.167_170del on transcript NM_000157.4 (MANE Select); coding-DNA positions 167 to 170, 4 bases deleted (TCTG; older notation c.167_170delTCTG).
Protein change: p.Val56fs; shifts the reading frame from valine 56.
Molecular consequence: frameshift variant. On other transcripts: 5 prime UTR variant (1).
Genome position (GRCh38, 1-based): chr1:155,240,023-155,240,026, CAGA deleted on the plus strand (TCTG on the coding strand, the reverse complement: GBA1 is on the minus strand); deleting any 4 consecutive bases within chr1:155,240,023-155,240,028 gives the same sequence; the c. name uses the placement nearest the transcript's 3' end. VCF-style (leftmost placement, unchanged base first): chr1-155240022-GCAGA-G. GRCh37 (hg19) VCF-style: chr1-155209813-GCAGA-G.
Other names: c.167_170del, p.Val56fs (NM_001005741.3, NM_001005742.3, NM_001171812.2); c.-95_-92del (NM_001171811.2); short protein forms V56fs.
Identifiers: ClinVar variation 4068365 (VCV004068365.2).

ClinVar aggregate classification (germline): Likely pathogenic (1 of 4 stars; one submission).

Conditions:
Gaucher disease. Also called: Kerasin lipoidosis; Kerasin thesaurismosis; Acute cerebral Gaucher disease; Cerebroside lipidosis syndrome; Gaucher splenomegaly; Sphingolipidosis 1. Identifiers: Orphanet 355, MedGen C0017205, MONDO:0018150.

Submission:

Natera, Inc.
Classification: Likely pathogenic for Gaucher disease. Last evaluated: 2025-05-21. Review status: criteria provided, single submitter. Criteria: Natera Variant Classification Schema (03/2026). Collection method: clinical testing. Allele origin: germline.
Comment: The c.167_170del variant in GBA1 is a frameshift variant predicted to shift the reading frame beginning at codon 56 and leads to a stop codon 34 codons downstream. This variant is expected to result in nonsense mediated decay, truncation, or a dysfunctional protein product. This variant is rare in the general population with a frequency below the threshold expected for the associated phenotype(s). Given the available evidence, this variant is classified as Likely Pathogenic.